The following is an entry in ClinVar:

NM_173728.4(ARHGEF15):c.2516C>A (p.Pro839His)

Gene: ARHGEF15 (Rho guanine nucleotide exchange factor 15; plus strand). Cytogenetic location: 17p13.1.
Variant type: single nucleotide variant.
Coding change: c.2516C>A on transcript NM_173728.4 (MANE Select); coding-DNA position 2516, C replaced by A.
Protein change: p.Pro839His; replaces proline 839 with histidine.
Molecular consequence: missense variant.
Genome position (GRCh38, 1-based): chr17:8,320,983, C>A. VCF-style: chr17-8320983-C-A. GRCh37 (hg19) VCF-style: chr17-8224301-C-A.
Other names: c.2516C>A, p.Pro839His (NM_025014.2); short protein forms P839H.
Identifiers: ClinVar variation 2000207 (VCV002000207.4), dbSNP rs2543955727, ClinGen allele CA398026179.

ClinVar aggregate classification (germline): Uncertain significance (1 of 4 stars; one submission).

Conditions:
Early-infantile DEE. Also called: Ohtahara syndrome; Early infantile epileptic encephalopathy; Early infantile epileptic encephalopathy with suppression bursts. Identifiers: Orphanet 1934, MedGen C0393706, MONDO:0800491.

Allele frequency attached by ClinVar (database versions not stated): gnomAD exomes 0.00001.
gnomAD v4.1: 11 of 1,613,962 alleles (0.00068%); highest among the groups gnomAD compares: Non-Finnish European, 0.00093%; no homozygotes.

Submission:

Labcorp Genetics (formerly Invitae), Labcorp
Classification: Uncertain significance for Early-infantile DEE. Last evaluated: 2022-05-29. Review status: criteria provided, single submitter. Criteria: Invitae Variant Classification Sherloc (09022015). Collection method: clinical testing. Allele origin: germline.
Comment: In summary, the available evidence is currently insufficient to determine the role of this variant in disease. Therefore, it has been classified as a Variant of Uncertain Significance. This sequence change replaces proline, which is neutral and non-polar, with histidine, which is basic and polar, at codon 839 of the ARHGEF15 protein (p.Pro839His). This variant is not present in population databases (gnomAD no frequency). This variant has not been reported in the literature in individuals affected with ARHGEF15-related conditions. Algorithms developed to predict the effect of missense changes on protein structure and function are either unavailable or do not agree on the potential impact of this missense change (SIFT: "Deleterious"; PolyPhen-2: "Possibly Damaging"; Align-GVGD: "Class C0").